The following is an entry in ClinVar:

ClinVar aggregate classification (germline): Uncertain significance (1 of 4 stars; one submission).

Conditions:
Encephalopathy, acute, infection-induced (herpes-specific), susceptibility to, 1. Also called: Herpes simplex encephalitis, susceptibility to, 1. Identifiers: Orphanet 1930, MedGen C2750180, MONDO:0024563, OMIM 610551.

Submission:

Labcorp Genetics (formerly Invitae), Labcorp
Classification: Uncertain significance for Encephalopathy, acute, infection-induced (herpes-specific), susceptibility to, 1. Last evaluated: 2025-08-29. Review status: criteria provided, single submitter. Criteria: Invitae Variant Classification Sherloc (09022015). Collection method: clinical testing. Allele origin: germline.
Comment: This sequence change replaces proline, which is neutral and non-polar, with threonine, which is neutral and polar, at codon 501 of the TLR3 protein (p.Pro501Thr). This variant is not present in population databases (gnomAD no frequency). This variant has not been reported in the literature in individuals affected with TLR3-related conditions. An algorithm developed to predict the effect of missense changes on protein structure and function (PolyPhen-2) suggests that this variant is likely to be disruptive. In summary, the available evidence is currently insufficient to determine the role of this variant in disease. Therefore, it has been classified as a Variant of Uncertain Significance.

NM_003265.3(TLR3):c.1501C>A (p.Pro501Thr)

Gene: TLR3 (toll like receptor 3; plus strand). Cytogenetic location: 4q35.1.
Variant type: single nucleotide variant.
Coding change: c.1501C>A on transcript NM_003265.3 (MANE Select); coding-DNA position 1501, C replaced by A.
Protein change: p.Pro501Thr; replaces proline 501 with threonine.
Molecular consequence: missense variant.
Genome position (GRCh38, 1-based): chr4:186,083,187, C>A. VCF-style: chr4-186083187-C-A. GRCh37 (hg19) VCF-style: chr4-187004341-C-A.
Other names: short protein forms P501T.
Identifiers: ClinVar variation 4726160 (VCV004726160.1).
Genomic context (GRCh38, chr4:186,083,187, plus strand): 5'-AGCCTTCAACGACTGATGCTCCGAAGGGTGGCCCTTAAAAATGTGGATAGCTCTCCTTCA[C>A]CATTCCAGCCTCTTCGTAACTTGACCATTCTGGATCTAAGCAACAACAACATAGCCAACA-3'
Protein context (NP_003256.1, residues 491-511): ALKNVDSSPS[Pro501Thr]FQPLRNLTIL